The following is an entry in ClinVar:

ClinVar aggregate classification (germline): Uncertain significance (1 of 4 stars; one submission).

Conditions:
Epidermolysis bullosa simplex with nail dystrophy (EBS5D). Identifiers: MedGen C4225309, MONDO:0014661, OMIM 616487.
Epidermolysis bullosa simplex, Ogna type (EBS5A). Also called: EPIDERMOLYSIS BULLOSA SIMPLEX 5A, OGNA TYPE; Pidermolysis bullosa simplex 5A, Ogna type. Identifiers: Orphanet 79401, MedGen C0432317, MONDO:0007555, OMIM 131950.
Autosomal recessive limb-girdle muscular dystrophy type 2Q (LGMDR17). Also called: MUSCULAR DYSTROPHY, LIMB-GIRDLE, AUTOSOMAL RECESSIVE 17. Identifiers: Orphanet 254361, MedGen C3150989, MONDO:0013390, OMIM 613723.
Epidermolysis bullosa simplex 5B, with muscular dystrophy (EBS5B). Also called: EPIDERMOLYSIS BULLOSA SIMPLEX AND LIMB-GIRDLE MUSCULAR DYSTROPHY; Epidermolysis bullosa simplex with muscular dystrophy. Identifiers: Orphanet 257, MedGen C2931072, MONDO:0009181, OMIM 226670.
Epidermolysis bullosa simplex 5C, with pyloric atresia (EBS5C). Also called: PLEC1-Related Epidermolysis Bullosa with Pyloric Atresia; PLEC-Related Epidermolysis Bullosa with Pyloric Atresia; Epidermolysis bullosa simplex with pyloric atresia. Identifiers: Orphanet 158684, MedGen C2677349, MONDO:0012807, OMIM 612138.

Submission:

Labcorp Genetics (formerly Invitae), Labcorp
Classification: Uncertain significance for Autosomal recessive limb-girdle muscular dystrophy type 2Q; Epidermolysis bullosa simplex, Ogna type; Epidermolysis bullosa simplex with nail dystrophy; Epidermolysis bullosa simplex 5C, with pyloric atresia; Epidermolysis bullosa simplex 5B, with muscular dystrophy. Last evaluated: 2025-01-06. Review status: criteria provided, single submitter. Criteria: Invitae Variant Classification Sherloc (09022015). Collection method: clinical testing. Allele origin: germline.
Comment: This sequence change replaces glutamic acid, which is acidic and polar, with glutamine, which is neutral and polar, at codon 2798 of the PLEC protein (p.Glu2798Gln). This variant is not present in population databases (gnomAD no frequency). This variant has not been reported in the literature in individuals affected with PLEC-related conditions. An algorithm developed to predict the effect of missense changes on protein structure and function (PolyPhen-2) suggests that this variant is likely to be disruptive. In summary, the available evidence is currently insufficient to determine the role of this variant in disease. Therefore, it has been classified as a Variant of Uncertain Significance.

NM_201384.3(PLEC):c.8311G>C (p.Glu2771Gln)

Gene: PLEC (plectin; minus strand). Cytogenetic location: 8q24.3.
Variant type: single nucleotide variant.
Coding change: c.8311G>C on transcript NM_201384.3 (MANE Select); coding-DNA position 8311, G replaced by C.
Protein change: p.Glu2771Gln; replaces glutamic acid 2771 with glutamine.
Molecular consequence: missense variant.
Genome position (GRCh38, 1-based): chr8:143,921,510, C>G on the plus strand (G>C on the coding strand, the complement: PLEC is on the minus strand). VCF-style: chr8-143921510-C-G. GRCh37 (hg19) VCF-style: chr8-144995678-C-G.
Other names: c.8392G>C, p.Glu2798Gln (NM_000445.5); c.5011G>C, p.Glu1671Gln (NM_001410941.1); c.8269G>C, p.Glu2757Gln (NM_201378.4); c.8245G>C, p.Glu2749Gln (NM_201379.3); c.8722G>C, p.Glu2908Gln (NM_201380.4); c.8215G>C, p.Glu2739Gln (NM_201381.3); c.8311G>C, p.Glu2771Gln (NM_201382.4); c.8323G>C, p.Glu2775Gln (NM_201383.3); short protein forms E1671Q, E2739Q, E2749Q, E2757Q, E2771Q, E2775Q, E2798Q, E2908Q.
Identifiers: ClinVar variation 3760254 (VCV003760254.2).